The following is an entry in ClinVar:

ClinVar aggregate classification (germline): Uncertain significance (1 of 4 stars; one submission).

Allele frequency attached by ClinVar (database versions not stated): gnomAD 0.00001; TOPMed 0.00001.
gnomAD v4.1: 18 of 1,613,696 alleles (0.0011%); highest among the groups gnomAD compares: Admixed American, 0.023%; no homozygotes.

Submission:

Labcorp Genetics (formerly Invitae), Labcorp
Classification: Uncertain significance. Last evaluated: 2026-01-04. Review status: criteria provided, single submitter. Criteria: Invitae Variant Classification Sherloc (09022015). Collection method: clinical testing. Allele origin: germline.
Comment: This sequence change replaces asparagine, which is neutral and polar, with lysine, which is basic and polar, at codon 280 of the TYRP1 protein (p.Asn280Lys). This variant is present in population databases (rs750211458, gnomAD 0.03%). This variant has not been reported in the literature in individuals affected with TYRP1-related conditions. ClinVar contains an entry for this variant (Variation ID: 1502964). Invitae Evidence Modeling of protein sequence and biophysical properties (such as structural, functional, and spatial information, amino acid conservation, physicochemical variation, residue mobility, and thermodynamic stability) indicates that this missense variant is expected to disrupt TYRP1 protein function with a positive predictive value of 80%. In summary, the available evidence is currently insufficient to determine the role of this variant in disease. Therefore, it has been classified as a Variant of Uncertain Significance.

NM_000550.3(TYRP1):c.840C>A (p.Asn280Lys)

Gene: TYRP1 (tyrosinase related protein 1; plus strand). Cytogenetic location: 9p23.
Variant type: single nucleotide variant.
Coding change: c.840C>A on transcript NM_000550.3 (MANE Select); coding-DNA position 840, C replaced by A.
Protein change: p.Asn280Lys; replaces asparagine 280 with lysine.
Molecular consequence: missense variant.
Genome position (GRCh38, 1-based): chr9:12,698,582, C>A. VCF-style: chr9-12698582-C-A. GRCh37 (hg19) VCF-style: chr9-12698582-C-A.
Other names: short protein forms N280K.
Identifiers: ClinVar variation 1502964 (VCV001502964.5), dbSNP rs750211458, ClinGen allele CA4985342.
Genomic context (GRCh38, chr9:12,698,582, plus strand): 5'-CTGCACGGATGACTTGATGGGATCCAGAAGCAACTTTGATTCCACTCTAATAAGCCCAAA[C>A]TCTGTCTTTTCTCAATGGCGAGTGGTCTGTGACTCCTTGGAAGATTATGATACCCTGGGA-3'
Protein context (NP_000541.1, residues 270-290): SNFDSTLISP[Asn280Lys]SVFSQWRVVC